The following is an entry in ClinVar:

NM_001122752.2(SERPINI1):c.648G>A (p.Met216Ile)

Gene: SERPINI1 (serpin family I member 1; plus strand). Cytogenetic location: 3q26.1.
Variant type: single nucleotide variant.
Coding change: c.648G>A on transcript NM_001122752.2 (MANE Select); coding-DNA position 648, G replaced by A.
Protein change: p.Met216Ile; replaces methionine 216 with isoleucine.
Molecular consequence: missense variant.
Genome position (GRCh38, 1-based): chr3:167,792,756, G>A. VCF-style: chr3-167792756-G-A. GRCh37 (hg19) VCF-style: chr3-167510544-G-A.
Other names: c.648G>A, p.Met216Ile (NM_005025.5); short protein forms M216I.
Identifiers: ClinVar variation 2876028 (VCV002876028.3), dbSNP rs2476231423, ClinGen allele CA355156802.

ClinVar aggregate classification (germline): Uncertain significance (1 of 4 stars; one submission).

Conditions:
Familial encephalopathy with neuroserpin inclusion bodies. Also called: ENCEPHALOPATHY, FAMILIAL, WITH COLLINS BODIES. Identifiers: Orphanet 85110, MedGen C1858680, MONDO:0011412, OMIM 604218.

Submission:

Labcorp Genetics (formerly Invitae), Labcorp
Classification: Uncertain significance for Familial encephalopathy with neuroserpin inclusion bodies. Last evaluated: 2023-10-17. Review status: criteria provided, single submitter. Criteria: Invitae Variant Classification Sherloc (09022015). Collection method: clinical testing. Allele origin: germline.
Comment: This sequence change replaces methionine, which is neutral and non-polar, with isoleucine, which is neutral and non-polar, at codon 216 of the SERPINI1 protein (p.Met216Ile). This variant is not present in population databases (gnomAD no frequency). This variant has not been reported in the literature in individuals affected with SERPINI1-related conditions. Advanced modeling of protein sequence and biophysical properties (such as structural, functional, and spatial information, amino acid conservation, physicochemical variation, residue mobility, and thermodynamic stability) performed at Invitae indicates that this missense variant is not expected to disrupt SERPINI1 protein function. In summary, the available evidence is currently insufficient to determine the role of this variant in disease. Therefore, it has been classified as a Variant of Uncertain Significance.